The following is an entry in ClinVar:

NM_001605.3(AARS1):c.2592C>T (p.Ser864=)

Gene: AARS1 (alanyl-tRNA synthetase 1; minus strand). Cytogenetic location: 16q22.1.
Variant type: single nucleotide variant.
Coding change: c.2592C>T on transcript NM_001605.3 (MANE Select); coding-DNA position 2592, C replaced by T.
Protein change: p.Ser864=; no amino-acid change (serine 864 retained).
Molecular consequence: synonymous variant.
Genome position (GRCh38, 1-based): chr16:70,253,729, G>A on the plus strand (C>T on the coding strand, the complement: AARS1 is on the minus strand). VCF-style: chr16-70253729-G-A. GRCh37 (hg19) VCF-style: chr16-70287632-G-A.
Identifiers: ClinVar variation 700156 (VCV000700156.15), dbSNP rs11537665, ClinGen allele CA8140359.

ClinVar aggregate classification (germline): Benign/Likely benign. Review status: criteria provided, multiple submitters, no conflicts (2 of 4 stars). 4 submissions from 4 submitters: Benign (1); Likely benign (3). Last evaluated 2026-08-01.

Conditions:
AARS1-related disorder. Also called: AARS1-related condition.
Charcot-Marie-Tooth disease type 2. Also called: Charcot-Marie-Tooth type 2. Identifiers: Orphanet 64746, MedGen C0270914, MONDO:0018993.
Charcot-Marie-Tooth disease axonal type 2N (CMT2N). Also called: CHARCOT-MARIE-TOOTH DISEASE, AXONAL, AUTOSOMAL DOMINANT, TYPE 2N; CHARCOT-MARIE-TOOTH NEUROPATHY, AXONAL, TYPE 2N; Charcot-Marie-Tooth Neuropathy Type 2N. Identifiers: Orphanet 228174, MedGen C2750090, MONDO:0013212, OMIM 613287.

Allele frequency attached by ClinVar (database versions not stated): gnomAD exomes 0.00007 and 0.00019; ESP Exome Variant Server 0.00008; gnomAD 0.00012 and 0.00017; TOPMed 0.00017; ExAC 0.00019; 1000 Genomes Project 30x 0.00094; 1000 Genomes Project 0.00120.
gnomAD v4.1: 124 of 1,613,902 alleles (0.0077%); highest among the groups gnomAD compares: East Asian, 0.13%; 1 homozygote.

Submissions (4):

CeGaT Center for Human Genetics Tuebingen
Classification: Likely benign. Last evaluated: 2026-08-01. Review status: criteria provided, single submitter. Criteria: CeGaT Center For Human Genetics Tuebingen Variant Classification Criteria Version 2. Collection method: clinical testing. Allele origin: germline. Affected: yes. Observed: 1 variant allele.
Comment: AARS1: BP4, BP7

Labcorp Genetics (formerly Invitae), Labcorp
Classification: Benign for Charcot-Marie-Tooth disease type 2. Last evaluated: 2025-09-13. Review status: criteria provided, single submitter. Criteria: Invitae Variant Classification Sherloc (09022015). Collection method: clinical testing. Allele origin: germline.

PreventionGenetics, part of Exact Sciences
Classification: Likely benign for AARS1-related condition. Last evaluated: 2025-07-31. Review status: criteria provided, single submitter. Criteria: ACMG Guidelines, 2015. Collection method: clinical testing. Allele origin: germline.
Comment: This variant is classified as likely benign based on ACMG/AMP sequence variant interpretation guidelines (Richards et al. 2015 PMID: 25741868, with internal and published modifications).

Illumina Laboratory Services, Illumina
Classification: Likely benign for Charcot-Marie-Tooth disease axonal type 2N. Last evaluated: 2018-01-13. Review status: criteria provided, single submitter. Criteria: ICSL Variant Classification Criteria 13 December 2019. Collection method: clinical testing. Allele origin: germline.
Comment: This variant was observed in the ICSL laboratory as part of a predisposition screen in an ostensibly healthy population. It had not been previously curated by ICSL or reported in the Human Gene Mutation Database (HGMD: prior to June 1st, 2018), and was therefore a candidate for classification through an automated scoring system. Utilizing variant allele frequency, disease prevalence and penetrance estimates, and inheritance mode, an automated score was calculated to assess if this variant is too frequent to cause the disease. Based on the score and internal cut-off values, a variant classified as likely benign is not then subjected to further curation. The score for this variant resulted in a classification of likely benign for this disease.